The following is an entry in ClinVar:

NM_001370259.2(MEN1):c.445+1G>T

Gene: MEN1 (menin 1; minus strand). Cytogenetic location: 11q13.1.
Variant type: single nucleotide variant.
Coding change: c.445+1G>T on transcript NM_001370259.2 (MANE Select); the canonical splice donor site of the intron after coding-DNA position 445, G replaced by T.
Molecular consequence: splice donor variant. On other transcripts: missense variant (8), non-coding transcript variant (2).
Genome position (GRCh38, 1-based): chr11:64,809,664, C>A on the plus strand (G>T on the coding strand, the complement: MEN1 is on the minus strand). VCF-style: chr11-64809664-C-A. GRCh37 (hg19) VCF-style: chr11-64577136-C-A.
Other names: c.446G>T, p.Gly149Val (NM_000244.4, NM_001407145.1, NM_001407150.1 and 5 more transcripts); c.445+1G>T (NM_001407148.1, NM_130799.3, NM_001407144.1 and 12 more transcripts); short protein forms G149V.
Identifiers: ClinVar variation 1994232 (VCV001994232.4), dbSNP rs2497255432, ClinGen allele CA381186643.

ClinVar aggregate classification (germline): Likely pathogenic. Review status: criteria provided, multiple submitters, no conflicts (2 of 4 stars). 2 submissions from 2 submitters: Likely pathogenic (2). Last evaluated 2025-05-13.

Conditions:
Multiple endocrine neoplasia, type 1 (MEN1). Also called: MEA I; MEN I; WERMER SYNDROME; Endocrine adenomatosis multiple; MEN 1. Identifiers: Orphanet 652, MedGen C0025267, MeSH D018761, MONDO:0007540, OMIM 131100.

Submissions (2):

Labcorp Genetics (formerly Invitae), Labcorp
Classification: Likely pathogenic for Multiple endocrine neoplasia, type 1. Last evaluated: 2025-05-13. Review status: criteria provided, single submitter. Criteria: Invitae Variant Classification Sherloc (09022015). Collection method: clinical testing. Allele origin: germline.
Comment: This sequence change affects a donor splice site in intron 2 of the MEN1 gene. RNA analysis indicates that disruption of this splice site induces altered splicing and likely results in the gain of 5 amino acid residue(s), but is expected to preserve the integrity of the reading-frame. This variant is not present in population databases (gnomAD no frequency). This variant has not been reported in the literature in individuals affected with MEN1-related conditions. ClinVar contains an entry for this variant (Variation ID: 1994232). Studies have shown that disruption of this splice site results in the activation of a cryptic splice site in intron 2 (internal data). In summary, the currently available evidence indicates that the variant is pathogenic, but additional data are needed to prove that conclusively. Therefore, this variant has been classified as Likely Pathogenic.

Genetics and Molecular Pathology, SA Pathology
Classification: Likely pathogenic for Multiple endocrine neoplasia, type 1. Last evaluated: 2022-11-17. Review status: criteria provided, single submitter. Criteria: ACMG Guidelines, 2015. Collection method: clinical testing. Allele origin: germline. Inheritance: Autosomal dominant inheritance. Affected: yes.
Comment: The MEN1 c.445+1G>T variant is classified as Likely Pathogenic (PVS1, PM2) The MEN1 c.445+1G>T variant is located in a splice donor region located in intron 2/9 in the MEN1 gene. Computational predictions support a deleterious effect on splicing and a likely disruption of the protein reading frame and non-sense mediated decay of the resulting protein product (PVS1). This variant is absent from population databases (PM2). This variant has not been reported in dbSNP, ClinVar or HGMD.